The following is an entry in ClinVar:

ClinVar aggregate classification (germline): Pathogenic/Likely pathogenic. Review status: criteria provided, multiple submitters, no conflicts (2 of 4 stars). 4 submissions from 4 submitters: Pathogenic (2); Likely pathogenic (1). 1 of the submissions does not count toward it. Last evaluated 2022-03-18.

Conditions:
GNPTG-mucolipidosis. Also called: Mucolipidosis type III gamma; ML III GAMMA; ML IIIC; MUCOLIPIDOSIS III, COMPLEMENTATION GROUP C; MUCOLIPIDOSIS III, IRANIAN VARIANT FORM; MUCOLIPIDOSIS III, VARIANT FORM. Identifiers: Orphanet 423470, Orphanet 577, MedGen C1854896, MONDO:0009652, OMIM 252605.

Allele frequency attached by ClinVar (database versions not stated): gnomAD exomes below 0.00001.
gnomAD v4.1: 1 of 1,613,916 alleles (0.000062%); highest among the groups gnomAD compares: Non-Finnish European, 0.000085%; no homozygotes.

Submissions (4):

Labcorp Genetics (formerly Invitae), Labcorp
Classification: Pathogenic. Last evaluated: 2022-03-18. Review status: criteria provided, single submitter. Criteria: Invitae Variant Classification Sherloc (09022015). Collection method: clinical testing. Allele origin: germline.
Comment: This sequence change affects an acceptor splice site in intron 4 of the GNPTG gene. It is expected to disrupt RNA splicing. Variants that disrupt the donor or acceptor splice site typically lead to a loss of protein function (PMID: 16199547), and loss-of-function variants in GNPTG are known to be pathogenic (PMID: 19370764, 20301784). This variant is not present in population databases (gnomAD no frequency). Disruption of this splice site has been observed in individual(s) with mucolipidosis III gamma (PMID: 20951619). In at least one individual the data is consistent with being in trans (on the opposite chromosome) from a pathogenic variant. ClinVar contains an entry for this variant (Variation ID: 555879). Algorithms developed to predict the effect of sequence changes on RNA splicing suggest that this variant may disrupt the consensus splice site. For these reasons, this variant has been classified as Pathogenic.

Fulgent Genetics
Classification: Likely pathogenic for GNPTG-mucolipidosis. Last evaluated: 2021-11-18. Review status: criteria provided, single submitter. Criteria: ACMG Guidelines, 2015. Collection method: clinical testing. Allele origin: unknown.

Genome-Nilou Lab
Classification: Pathogenic for GNPTG-mucolipidosis. Last evaluated: 2021-11-07. Review status: criteria provided, single submitter. Criteria: ACMG Guidelines, 2015. Collection method: clinical testing. Allele origin: germline. Affected: no.

Counsyl
Classification: Likely pathogenic for GNPTG-mucolipidosis. Last evaluated: 2018-01-02. Review status: no assertion criteria provided. Collection method: clinical testing. Allele origin: unknown. Not counted in ClinVar's aggregate classification.

Literature cited by the submitters: PubMed 16199547 (cited by Labcorp Genetics (formerly Invitae), Labcorp); PubMed 19370764 (cited by Labcorp Genetics (formerly Invitae), Labcorp); PubMed 20301784 (cited by Labcorp Genetics (formerly Invitae), Labcorp); PubMed 20951619 (cited by Labcorp Genetics (formerly Invitae), Labcorp).

NM_032520.5(GNPTG):c.234-1G>A

Gene: GNPTG (N-acetylglucosamine-1-phosphate transferase subunit gamma; plus strand). Cytogenetic location: 16p13.3.
Variant type: single nucleotide variant.
Coding change: c.234-1G>A on transcript NM_032520.5 (MANE Select); the canonical splice acceptor site of the intron before coding-DNA position 234, G replaced by A.
Molecular consequence: splice acceptor variant.
Genome position (GRCh38, 1-based): chr16:1,361,871, G>A. VCF-style: chr16-1361871-G-A. GRCh37 (hg19) VCF-style: chr16-1411872-G-A.
Identifiers: ClinVar variation 555879 (VCV000555879.17), dbSNP rs112850896, ClinGen allele CA394186724.